The following is an entry in ClinVar:

NM_001005361.3(DNM2):c.1423-4C>T

Gene: DNM2 (dynamin 2; plus strand). Cytogenetic location: 19p13.2.
Variant type: single nucleotide variant.
Coding change: c.1423-4C>T on transcript NM_001005361.3 (MANE Select); 4 bases into the intron before coding-DNA position 1423, C replaced by T.
Molecular consequence: intron variant.
Genome position (GRCh38, 1-based): chr19:10,802,284, C>T. VCF-style: chr19-10802284-C-T. GRCh37 (hg19) VCF-style: chr19-10912960-C-T.
Other names: c.1423-4C>T (NM_001005360.3, NM_001190716.2, NM_004945.4 and 1 more transcripts).
Identifiers: ClinVar variation 508557 (VCV000508557.10), dbSNP rs552776205, ClinGen allele CA9201160.
Genomic context (GRCh38, chr19:10,802,284, plus strand): 5'-CTTGCCGCTGCCCCCCCTTGCCAGGCTTGGCCTTGTACTCACAGTGACCCCCGCTCTCCC[C>T]CAGATTCTTCTGCTGATCGACATTGAGCAGTCCTACATCAACACGAACCATGAGGACTTC-3'

ClinVar aggregate classification (germline): Likely benign. Review status: criteria provided, multiple submitters, no conflicts (2 of 4 stars). 2 submissions from 2 submitters: Likely benign (2). Last evaluated 2026-01-11.

Conditions:
Charcot-Marie-Tooth disease dominant intermediate B (CMTDIB). Also called: Charcot-Marie-Tooth disease dominant intermediate 1; CMT DI1; Charcot-Marie-Tooth disease dominant intermediate I; CHARCOT-MARIE-TOOTH NEUROPATHY, DOMINANT INTERMEDIATE B. Identifiers: Orphanet 100044, Orphanet 228179, MedGen C1847902, MONDO:0011674, OMIM 606482.

Allele frequency attached by ClinVar (database versions not stated): gnomAD 0.00001; ExAC 0.00002; TOPMed 0.00002; gnomAD exomes 0.00003; 1000 Genomes Project 30x 0.00016; 1000 Genomes Project 0.00020.
gnomAD v4.1: 41 of 1,614,162 alleles (0.0025%); highest among the groups gnomAD compares: Admixed American, 0.012%; no homozygotes.

Submissions (2):

Labcorp Genetics (formerly Invitae), Labcorp
Classification: Likely benign for Charcot-Marie-Tooth disease dominant intermediate B. Last evaluated: 2026-01-11. Review status: criteria provided, single submitter. Criteria: Invitae Variant Classification Sherloc (09022015). Collection method: clinical testing. Allele origin: germline.

GeneDx
Classification: Likely benign. Last evaluated: 2017-12-08. Review status: criteria provided, single submitter. Criteria: GeneDx Variant Classification (06012015). Collection method: clinical testing. Allele origin: germline. Affected: yes.
Comment: This variant is considered likely benign or benign based on one or more of the following criteria: it is a conservative change, it occurs at a poorly conserved position in the protein, it is predicted to be benign by multiple in silico algorithms, and/or has population frequency not consistent with disease.